The following is an entry in ClinVar:

NM_000430.4(PAFAH1B1):c.703_704del (p.Glu235fs)

Gene: PAFAH1B1 (platelet activating factor acetylhydrolase 1b regulatory subunit 1; plus strand). Cytogenetic location: 17p13.3.
Variant type: Microsatellite.
Coding change: c.703_704del on transcript NM_000430.4 (MANE Select); coding-DNA positions 703 to 704, 2 bases deleted (GA; older notation c.703_704delGA).
Protein change: p.Glu235fs; shifts the reading frame from glutamic acid 235.
Molecular consequence: frameshift variant.
Genome position (GRCh38, 1-based): chr17:2,674,091-2,674,092, GA deleted; deleting any 2 consecutive bases within chr17:2,674,088-2,674,092 gives the same sequence; the c. name uses the placement nearest the transcript's 3' end. VCF-style (leftmost placement, unchanged base first): chr17-2674087-CAG-C. GRCh37 (hg19) VCF-style: chr17-2577381-CAG-C.
Other names: c.703_704delGA (NM_000430.3); short protein forms E235fs.
Identifiers: ClinVar variation 211829 (VCV000211829.14), dbSNP rs797045865, ClinGen allele CA277035.
Genomic context (GRCh38, chr17:2,674,087, plus strand): 5'-ATTCACAGTGTAAGTTATTATTTATATTGACAGCTACTGTGTGAAGACATTCACAGGACA[CAG>C]AGAATGGGTACGTATGGTACGGCCAAATCAAGATGGCACTCTGATAGCCAGCTGTTCCAA-3'

ClinVar aggregate classification (germline): Pathogenic/Likely pathogenic. Review status: criteria provided, multiple submitters, no conflicts (2 of 4 stars). 4 submissions from 4 submitters: Pathogenic (3); Likely pathogenic (1). Last evaluated 2020-09-10.

Conditions:
Inborn genetic diseases. Identifiers: MedGen C0950123, MeSH D030342.
Lissencephaly due to LIS1 mutation (LIS1). Also called: Isolated Lissencephaly Sequence; PAFAH1B1-Associated Lissencephaly/Subcortical Band Heterotopia; PAFAH1B1-Related Lissencephaly/Subcortical Band Heterotopia. Identifiers: Orphanet 95232, MedGen C4749301, MONDO:0011830, OMIM 607432.

Submissions (4):

Revvity Omics, Revvity
Classification: Likely pathogenic for Lissencephaly due to LIS1 mutation. Last evaluated: 2020-09-10. Review status: criteria provided, single submitter. Criteria: ACMG Guidelines, 2015. Collection method: clinical testing. Allele origin: germline.

GeneDx
Classification: Pathogenic. Last evaluated: 2018-02-22. Review status: criteria provided, single submitter. Criteria: GeneDx Variant Classification (06012015). Collection method: clinical testing. Allele origin: germline. Affected: yes.
Comment: The c.703_704delGA pathogenic variant in the PAFAH1B1 gene has been reported previously as a denovo variant in an individual with isolated lissencephaly sequence (ILS) (Pilz et al., 1998). Thedeletion causes a frameshift starting with codon Glutamic acid 235, changes this amino acid to aMethionine residue and creates a premature Stop codon at position 20 of the new reading frame,denoted p.Glu235MetfsX20. This pathogenic variant is predicted to cause loss of normal proteinfunction either through protein truncation or nonsense-mediated mRNA decay. Furthermore, thec.703_704delGA variant is not observed in large population cohorts (Lek et al., 2016).

Ambry Genetics
Classification: Pathogenic for Inborn genetic diseases. Last evaluated: 2016-12-30. Review status: criteria provided, single submitter. Criteria: Ambry exome assertion method (8-5-2015). Collection method: clinical testing. Allele origin: germline. Affected: yes. Observed: 1 variant allele.

Genetic Services Laboratory, University of Chicago
Classification: Pathogenic for Lissencephaly 1. Last evaluated: 2013-02-08. Review status: criteria provided, single submitter. Criteria: ACMG Guidelines, 2007. Collection method: clinical testing. Allele origin: germline. Affected: yes.